The following is an entry in ClinVar:

NM_182746.3(MCM4):c.2243G>A (p.Arg748Lys)

Gene: MCM4 (minichromosome maintenance complex component 4; plus strand). Cytogenetic location: 8q11.21.
Variant type: single nucleotide variant.
Coding change: c.2243G>A on transcript NM_182746.3 (MANE Select); coding-DNA position 2243, G replaced by A.
Protein change: p.Arg748Lys; replaces arginine 748 with lysine.
Molecular consequence: missense variant.
Genome position (GRCh38, 1-based): chr8:47,974,840, G>A. VCF-style: chr8-47974840-G-A. GRCh37 (hg19) VCF-style: chr8-48887400-G-A.
Other names: c.2243G>A, p.Arg748Lys (NM_005914.4); c.2243G>A (NM_005914.3); short protein forms R748K.
Identifiers: ClinVar variation 1394807 (VCV001394807.7), dbSNP rs556503441, ClinGen allele CA4742860.

ClinVar aggregate classification (germline): Uncertain significance. Review status: criteria provided, multiple submitters, no conflicts (2 of 4 stars). 2 submissions from 2 submitters: Uncertain significance (2). Last evaluated 2025-07-23.

Allele frequency attached by ClinVar (database versions not stated): gnomAD 0.00001 and 0.00002; TOPMed 0.00002; ExAC 0.00007; gnomAD exomes 0.00007; 1000 Genomes Project 30x 0.00016; 1000 Genomes Project 0.00020.
gnomAD v4.1: 27 of 1,614,240 alleles (0.0017%); highest among the groups gnomAD compares: East Asian, 0.053%; no homozygotes.

Submissions (2):

Labcorp Genetics (formerly Invitae), Labcorp
Classification: Uncertain significance. Last evaluated: 2025-07-23. Review status: criteria provided, single submitter. Criteria: Invitae Variant Classification Sherloc (09022015). Collection method: clinical testing. Allele origin: germline.
Comment: This sequence change replaces arginine, which is basic and polar, with lysine, which is basic and polar, at codon 748 of the MCM4 protein (p.Arg748Lys). This variant is present in population databases (rs556503441, gnomAD 0.09%). This variant has not been reported in the literature in individuals affected with MCM4-related conditions. ClinVar contains an entry for this variant (Variation ID: 1394807). Invitae Evidence Modeling of protein sequence and biophysical properties (such as structural, functional, and spatial information, amino acid conservation, physicochemical variation, residue mobility, and thermodynamic stability) indicates that this missense variant is not expected to disrupt MCM4 protein function with a negative predictive value of 80%. In summary, the available evidence is currently insufficient to determine the role of this variant in disease. Therefore, it has been classified as a Variant of Uncertain Significance.

Ambry Genetics
Classification: Uncertain significance. Last evaluated: 2023-05-17. Review status: criteria provided, single submitter. Criteria: Ambry Variant Classification Scheme 2023. Collection method: clinical testing. Allele origin: germline.